The following is an entry in ClinVar:

NM_000268.4(NF2):c.1165C>T (p.Gln389Ter)

Gene: NF2 (NF2, moesin-ezrin-radixin like (MERLIN) tumor suppressor; plus strand). Cytogenetic location: 22q12.2.
Variant type: single nucleotide variant.
Coding change: c.1165C>T on transcript NM_000268.4 (MANE Select); coding-DNA position 1165, C replaced by T.
Protein change: p.Gln389Ter; replaces glutamine 389 with a stop codon.
Molecular consequence: nonsense. On other transcripts: intron variant (1).
Genome position (GRCh38, 1-based): chr22:29,673,311, C>T. VCF-style: chr22-29673311-C-T. GRCh37 (hg19) VCF-style: chr22-30069300-C-T.
Other names: c.1051C>T, p.Gln351Ter (NM_001407053.1, NM_001407056.1); c.1042C>T, p.Gln348Ter (NM_001407054.1, NM_001407058.1, NM_181829.3); c.1039C>T, p.Gln347Ter (NM_001407055.1, NM_181828.3); c.1030C>T, p.Gln344Ter (NM_001407057.1, NM_001407059.1); c.1165C>T, p.Gln389Ter (NM_001407060.1, NM_001407066.1, NM_016418.5 and 2 more transcripts); c.907C>T, p.Gln303Ter (NM_001407062.1); c.916C>T, p.Gln306Ter (NM_001407063.1, NM_001407064.1, NM_181830.3 and 1 more transcripts); c.631C>T, p.Gln211Ter (NM_001407065.1); and 2 more; short protein forms Q211*, Q303*, Q306*, Q312*, Q344*, Q347*, Q348*, Q351*.
Identifiers: ClinVar variation 4855322 (VCV004855322.2).
Genomic context (GRCh38, chr22:29,673,311, plus strand): 5'-GAGCACTGTGCCCTCCAGATGCGGTCTGAGGAGACAGCTGACCTGTTGGCTGAAAAGGCC[C>T]AGATCACCGAGGAGGAGGCAAAACTTCTGGCCCAGAAGGCCGCAGAGGCTGAGCAGGAAA-3'

ClinVar aggregate classification (germline): Pathogenic. Review status: criteria provided, multiple submitters, no conflicts (2 of 4 stars). 2 submissions from 2 submitters: Pathogenic (2). Last evaluated 2025-06-04.

Conditions:
Neurofibromatosis, type 2 (SWNV). Also called: NF2-Related Schwannomatosis; SCHWANNOMATOSIS, VESTIBULAR; BILATERAL ACOUSTIC NEUROFIBROMATOSIS. Identifiers: Orphanet 637, MedGen C0027832, MONDO:0007039, OMIM 101000. Disease mechanism: loss of function.

Submissions (2):

3billion
Classification: Pathogenic for Neurofibromatosis, type 2. Last evaluated: 2025-06-04. Review status: criteria provided, single submitter. Criteria: ACMG Guidelines, 2015. Collection method: clinical testing. Allele origin: germline. Affected: yes.
Comment: The variant is not observed in the gnomAD v4.1.0 dataset. Predicted Consequence/Location: Stop-gained (nonsense): predicted to result in a loss or disruption of normal protein function through nonsense-mediated decay (NMD) or protein truncation. Multiple pathogenic variants are reported downstream of the variant. The variant has been reported to be associated with NF2-related disorder (PMID: 8755919). Therefore, this variant is classified as Pathogenic according to the recommendation of ACMG/AMP guideline.

Division of Genetic & Genomic Pathology, Hong Kong Children's Hospital
Classification: Pathogenic for Neurofibromatosis, type 2. Last evaluated: 2024-07-16. Review status: criteria provided, single submitter. Criteria: ACMG Guidelines, 2015. Collection method: clinical testing. Allele origin: germline. Affected: yes.
Comment: The nonsense variant NF2 c.1165C>T p.(Gln389*) introduces a premature stop codon in exon 12 (out of 16 exons) of the NF2 gene. It is predicted to induce nonsense mediated decay in a gene in which loss of function is a known disease mechanism (PMID: 20301380). This variant is absent in control populations (gnomAD v2.1.1 non-cancer and gnomAD v4.1.0), and has been reported in an individual affected by neurofibromatosis type 2 (PMID: 8755919). For these reasons, the variant NF2 c.1165C>T p.(Gln389*) is classified as pathogenic.

Literature cited by the submitters: PubMed 8755919 (cited by 3billion and Division of Genetic & Genomic Pathology, Hong Kong Children's Hospital); PubMed 20301380 (cited by Division of Genetic & Genomic Pathology, Hong Kong Children's Hospital).